The following is an entry in ClinVar:

NM_015978.3(TNNI3K):c.1536T>G (p.Ile512Met)

Genes: FPGT-TNNI3K (FPGT-TNNI3K readthrough; plus strand), TNNI3K (TNNI3 interacting kinase; plus strand). Cytogenetic location: 1p31.1.
Variant type: single nucleotide variant.
Coding change: c.1536T>G on transcript NM_015978.3 (MANE Select); coding-DNA position 1536, T replaced by G.
Protein change: p.Ile512Met; replaces isoleucine 512 with methionine.
Molecular consequence: missense variant.
Genome position (GRCh38, 1-based): chr1:74,369,454, T>G. VCF-style: chr1-74369454-T-G. GRCh37 (hg19) VCF-style: chr1-74835138-T-G.
Other names: c.1839T>G, p.Ile613Met (NM_001112808.3, NM_001199327.2); short protein forms I613M, I512M.
Identifiers: ClinVar variation 1390921 (VCV001390921.6), dbSNP rs2100520589, ClinGen allele CA340786183.

ClinVar aggregate classification (germline): Uncertain significance (1 of 4 stars; one submission).

Submission:

Labcorp Genetics (formerly Invitae), Labcorp
Classification: Uncertain significance. Last evaluated: 2023-07-28. Review status: criteria provided, single submitter. Criteria: Invitae Variant Classification Sherloc (09022015). Collection method: clinical testing. Allele origin: germline.
Comment: ClinVar contains an entry for this variant (Variation ID: 1390921). This variant has not been reported in the literature in individuals affected with TNNI3K-related conditions. This variant is not present in population databases (gnomAD no frequency). This sequence change replaces isoleucine, which is neutral and non-polar, with methionine, which is neutral and non-polar, at codon 512 of the TNNI3K protein (p.Ile512Met). Advanced modeling of protein sequence and biophysical properties (such as structural, functional, and spatial information, amino acid conservation, physicochemical variation, residue mobility, and thermodynamic stability) performed at Invitae indicates that this missense variant is not expected to disrupt TNNI3K protein function. In summary, the available evidence is currently insufficient to determine the role of this variant in disease. Therefore, it has been classified as a Variant of Uncertain Significance.